The following is an entry in ClinVar:

ClinVar aggregate classification (germline): Uncertain significance. Review status: criteria provided, multiple submitters, no conflicts (2 of 4 stars). 3 submissions from 3 submitters: Uncertain significance (3). Last evaluated 2025-10-16.

Conditions:
SCLT1-related disorder. Also called: SCLT1-related condition.

Allele frequency attached by ClinVar (database versions not stated): gnomAD exomes 0.00001 and 0.00003; ExAC 0.00002; gnomAD 0.00007 and 0.00009; TOPMed 0.00007.
gnomAD v4.1: 24 of 1,609,714 alleles (0.0015%); highest among the groups gnomAD compares: African/African-American, 0.017%; no homozygotes.

Submissions (3):

PreventionGenetics, part of Exact Sciences
Classification: Uncertain significance for SCLT1-related condition. Last evaluated: 2025-10-16. Review status: criteria provided, single submitter. Criteria: ACMG Guidelines, 2015. Collection method: clinical testing. Allele origin: germline.
Comment: The SCLT1 c.827G>A variant is predicted to result in the amino acid substitution p.Arg276His. This variant has been reported along with another variant in SCLT1 in an individual with retinal dystrophies (de Castro-Miró et al. 2016. PubMed ID: 28005958). This variant is reported in 0.028% of alleles in individuals of African descent in gnomAD. At this time, the clinical significance of this variant is uncertain due to the absence of conclusive functional and genetic evidence.

Labcorp Genetics (formerly Invitae), Labcorp
Classification: Uncertain significance. Last evaluated: 2025-08-04. Review status: criteria provided, single submitter. Criteria: Invitae Variant Classification Sherloc (09022015). Collection method: clinical testing. Allele origin: germline.
Comment: This sequence change replaces arginine, which is basic and polar, with histidine, which is basic and polar, at codon 276 of the SCLT1 protein (p.Arg276His). This variant is present in population databases (rs765514231, gnomAD 0.03%). This missense change has been observed in individual(s) with autosomal recessive retinitis pigmentosa (PMID: 28005958). ClinVar contains an entry for this variant (Variation ID: 1053948). An algorithm developed to predict the effect of missense changes on protein structure and function (PolyPhen-2) suggests that this variant is likely to be disruptive. In summary, the available evidence is currently insufficient to determine the role of this variant in disease. Therefore, it has been classified as a Variant of Uncertain Significance.

Blueprint Genetics
Classification: Uncertain significance. Last evaluated: 2022-01-10. Review status: criteria provided, single submitter. Criteria: ACMG Guidelines, 2015. Collection method: clinical testing. Allele origin: germline.

Literature cited by the submitters: PubMed 28005958 (cited by Labcorp Genetics (formerly Invitae), Labcorp).

NM_144643.4(SCLT1):c.827G>A (p.Arg276His)

Gene: SCLT1 (sodium channel and clathrin linker 1; minus strand). Cytogenetic location: 4q28.2.
Variant type: single nucleotide variant.
Coding change: c.827G>A on transcript NM_144643.4 (MANE Select); coding-DNA position 827, G replaced by A.
Protein change: p.Arg276His; replaces arginine 276 with histidine.
Molecular consequence: missense variant.
Genome position (GRCh38, 1-based): chr4:128,965,269, C>T on the plus strand (G>A on the coding strand, the complement: SCLT1 is on the minus strand). VCF-style: chr4-128965269-C-T. GRCh37 (hg19) VCF-style: chr4-129886424-C-T.
Other names: c.827G>A (NM_144643.3); short protein forms R276H.
Identifiers: ClinVar variation 1053948 (VCV001053948.8), dbSNP rs765514231, ClinGen allele CA3079795.